The following is an entry in ClinVar:

NM_018136.5(ASPM):c.9555A>G (p.Ala3185=)

Gene: ASPM (assembly factor for spindle microtubules; minus strand). Cytogenetic location: 1q31.3.
Variant type: single nucleotide variant.
Coding change: c.9555A>G on transcript NM_018136.5 (MANE Select); coding-DNA position 9555, A replaced by G.
Protein change: p.Ala3185=; no amino-acid change (alanine 3185 retained).
Molecular consequence: synonymous variant.
Genome position (GRCh38, 1-based): chr1:197,090,931, T>C on the plus strand (A>G on the coding strand, the complement: ASPM is on the minus strand). VCF-style: chr1-197090931-T-C. GRCh37 (hg19) VCF-style: chr1-197060061-T-C.
Other names: c.4800A>G, p.Ala1600= (NM_001206846.2).
Identifiers: ClinVar variation 2143812 (VCV002143812.6), dbSNP rs202178898, ClinGen allele CA1308924.

ClinVar aggregate classification (germline): Likely benign. Review status: criteria provided, single submitter (1 of 4 stars). 2 submissions from 2 submitters: Likely benign (1). 1 of the submissions does not count toward it. Last evaluated 2025-02-03.

Conditions:
ASPM-related disorder. Also called: ASPM-related condition.

Allele frequency attached by ClinVar (database versions not stated): ExAC 0.00004; gnomAD 0.00006; TOPMed 0.00006; gnomAD exomes 0.00007; ESP Exome Variant Server 0.00008.
gnomAD v4.1: 110 of 1,613,398 alleles (0.0068%); highest among the groups gnomAD compares: Middle Eastern, 0.016%; no homozygotes.

Submissions (2):

Labcorp Genetics (formerly Invitae), Labcorp
Classification: Likely benign. Last evaluated: 2025-02-03. Review status: criteria provided, single submitter. Criteria: Invitae Variant Classification Sherloc (09022015). Collection method: clinical testing. Allele origin: germline.

PreventionGenetics, part of Exact Sciences
Classification: Likely benign for ASPM-related condition. Last evaluated: 2020-02-18. Review status: no assertion criteria provided. Collection method: clinical testing. Allele origin: germline. Not counted in ClinVar's aggregate classification.
Comment: This variant is classified as likely benign based on ACMG/AMP sequence variant interpretation guidelines (Richards et al. 2015 PMID: 25741868, with internal and published modifications).